The following is an entry in ClinVar:

ClinVar aggregate classification (germline): Uncertain significance. Review status: criteria provided, multiple submitters, no conflicts (2 of 4 stars). 2 submissions from 2 submitters: Uncertain significance (2). Last evaluated 2025-11-23.

Conditions:
Inborn genetic diseases. Identifiers: MedGen C0950123, MeSH D030342.

Allele frequency attached by ClinVar (database versions not stated): gnomAD 0.00001; TOPMed 0.00001.

Submissions (2):

Ambry Genetics
Classification: Uncertain significance for Inborn genetic diseases. Last evaluated: 2025-11-23. Review status: criteria provided, single submitter. Criteria: Ambry Variant Classification Scheme 2023. Collection method: clinical testing. Allele origin: germline.

Labcorp Genetics (formerly Invitae), Labcorp
Classification: Uncertain significance. Last evaluated: 2022-09-07. Review status: criteria provided, single submitter. Criteria: Invitae Variant Classification Sherloc (09022015). Collection method: clinical testing. Allele origin: germline.
Comment: This variant has not been reported in the literature in individuals affected with SLC9A3-related conditions. The frequency data for this variant in the population databases is considered unreliable, as metrics indicate poor data quality at this position in the gnomAD database. This sequence change replaces valine, which is neutral and non-polar, with methionine, which is neutral and non-polar, at codon 335 of the SLC9A3 protein (p.Val335Met). Algorithms developed to predict the effect of missense changes on protein structure and function are either unavailable or do not agree on the potential impact of this missense change (SIFT: "Not Available"; PolyPhen-2: "Probably Damaging"; Align-GVGD: "Not Available"). In summary, the available evidence is currently insufficient to determine the role of this variant in disease. Therefore, it has been classified as a Variant of Uncertain Significance.

NM_004174.4(SLC9A3):c.1003G>A (p.Val335Met)

Gene: SLC9A3 (solute carrier family 9 member A3). Cytogenetic location: 5p15.33.
Variant type: single nucleotide variant.
Coding change: c.1003G>A on transcript NM_004174.4 (MANE Select); coding-DNA position 1003, G replaced by A.
Protein change: p.Val335Met; replaces valine 335 with methionine.
Molecular consequence: missense variant.
Genome position (GRCh38, 1-based): chr5:483,412, C>T on the plus strand (G>A on the coding strand, the complement: SLC9A3 is on the minus strand). VCF-style: chr5-483412-C-T. GRCh37 (hg19) VCF-style: chr5-483527-C-T.
Other names: c.1003G>A, p.Val335Met (NM_001284351.3); c.1003G>A (NM_004174.2); short protein forms V335M.
Identifiers: ClinVar variation 2144238 (VCV002144238.6), dbSNP rs1450869594, ClinGen allele CA359028202.